The following is an entry in ClinVar:

NM_003737.4(DCHS1):c.9502A>G (p.Ser3168Gly)

Gene: DCHS1 (dachsous cadherin-related 1; minus strand). Cytogenetic location: 11p15.4.
Variant type: single nucleotide variant.
Coding change: c.9502A>G on transcript NM_003737.4 (MANE Select); coding-DNA position 9502, A replaced by G.
Protein change: p.Ser3168Gly; replaces serine 3168 with glycine.
Molecular consequence: missense variant.
Genome position (GRCh38, 1-based): chr11:6,622,174, T>C on the plus strand (A>G on the coding strand, the complement: DCHS1 is on the minus strand). VCF-style: chr11-6622174-T-C. GRCh37 (hg19) VCF-style: chr11-6643405-T-C.
Other names: short protein forms S3168G.
Identifiers: ClinVar variation 4803238 (VCV004803238.1).

ClinVar aggregate classification (germline): Uncertain significance (1 of 4 stars; one submission).

Submission:

Labcorp Genetics (formerly Invitae), Labcorp
Classification: Uncertain significance. Last evaluated: 2025-12-23. Review status: criteria provided, single submitter. Criteria: Invitae Variant Classification Sherloc (09022015). Collection method: clinical testing. Allele origin: germline.
Comment: This sequence change replaces serine, which is neutral and polar, with glycine, which is neutral and non-polar, at codon 3168 of the DCHS1 protein (p.Ser3168Gly). This variant is not present in population databases (gnomAD no frequency). This variant has not been reported in the literature in individuals affected with DCHS1-related conditions. Invitae Evidence Modeling of protein sequence and biophysical properties (such as structural, functional, and spatial information, amino acid conservation, physicochemical variation, residue mobility, and thermodynamic stability) indicates that this missense variant is not expected to disrupt DCHS1 protein function with a negative predictive value of 95%. In summary, the available evidence is currently insufficient to determine the role of this variant in disease. Therefore, it has been classified as a Variant of Uncertain Significance.